The following is an entry in ClinVar:

NM_001135022.2(ELMOD3):c.305T>A (p.Ile102Asn)

Gene: ELMOD3 (ELMO domain containing 3; plus strand). Cytogenetic location: 2p11.2.
Variant type: single nucleotide variant.
Coding change: c.305T>A on transcript NM_001135022.2 (MANE Select); coding-DNA position 305, T replaced by A.
Protein change: p.Ile102Asn; replaces isoleucine 102 with asparagine.
Molecular consequence: missense variant. On other transcripts: non-coding transcript variant (3).
Genome position (GRCh38, 1-based): chr2:85,369,775, T>A. VCF-style: chr2-85369775-T-A. GRCh37 (hg19) VCF-style: chr2-85596898-T-A.
Other names: c.305T>A, p.Ile102Asn (NM_001135021.2, NM_001135023.2, NM_001329791.2 and 3 more transcripts); c.305T>A (NM_001135021.1); short protein forms I102N.
Identifiers: ClinVar variation 2407493 (VCV002407493.3), dbSNP rs199798354, ClinGen allele CA1740295.
Genomic context (GRCh38, chr2:85,369,775, plus strand): 5'-GGCATGTCTTCCGTTTTGCCACAGGGAGCCAAGCTAGCTCAGAGCAGCCTGGGCAGCTAA[T>A]CTCCTTCAGTGAGGCCCTGCAGCACTTCCAGACTGTGGACCTTTCCCCCTTCAAGGTATG-3'
Protein context (NP_001128494.1, residues 92-112): QASSEQPGQL[Ile102Asn]SFSEALQHFQ

ClinVar aggregate classification (germline): Uncertain significance. Review status: criteria provided, multiple submitters, no conflicts (2 of 4 stars). 2 submissions from 2 submitters: Uncertain significance (2). Last evaluated 2026-08-18.

Conditions:
ELMOD3-related disorder. Also called: ELMOD3-related condition.

Allele frequency attached by ClinVar (database versions not stated): ExAC 0.00002; TOPMed 0.00003; gnomAD 0.00004; gnomAD exomes 0.00007; ESP Exome Variant Server 0.00008.
gnomAD v4.1: 112 of 1,613,968 alleles (0.0069%); highest among the groups gnomAD compares: Non-Finnish European, 0.0086%; no homozygotes.

Submissions (2):

PreventionGenetics, part of Exact Sciences
Classification: Uncertain significance for ELMOD3-related condition. Last evaluated: 2026-08-18. Review status: criteria provided, single submitter. Criteria: ACMG Guidelines, 2015. Collection method: clinical testing. Allele origin: germline.
Comment: The ELMOD3 c.305T>A variant is predicted to result in the amino acid substitution p.Ile102Asn. To our knowledge, this variant has not been reported in the literature. This variant is reported in 0.014% of alleles in individuals of Latino descent in gnomAD. At this time, the clinical significance of this variant is uncertain due to the absence of conclusive functional and genetic evidence.

Ambry Genetics
Classification: Uncertain significance. Last evaluated: 2021-06-18. Review status: criteria provided, single submitter. Criteria: Ambry Variant Classification Scheme 2023. Collection method: clinical testing. Allele origin: germline.